The following is an entry in ClinVar:

NM_004415.4(DSP):c.2158G>T (p.Ala720Ser)

Gene: DSP (desmoplakin; plus strand). Cytogenetic location: 6p24.3.
Variant type: single nucleotide variant.
Coding change: c.2158G>T on transcript NM_004415.4 (MANE Select); coding-DNA position 2158, G replaced by T.
Protein change: p.Ala720Ser; replaces alanine 720 with serine.
Molecular consequence: missense variant.
Genome position (GRCh38, 1-based): chr6:7,574,113, G>T. VCF-style: chr6-7574113-G-T. GRCh37 (hg19) VCF-style: chr6-7574346-G-T.
Other names: c.2158G>T, p.Ala720Ser (NM_001008844.3, NM_001319034.2); short protein forms A720S.
Identifiers: ClinVar variation 924618 (VCV000924618.13), dbSNP rs1180846023, ClinGen allele CA362680695.

ClinVar aggregate classification (germline): Uncertain significance. Review status: criteria provided, multiple submitters, no conflicts (2 of 4 stars). 2 submissions from 2 submitters: Uncertain significance (2). Last evaluated 2023-12-04.

Conditions:
Arrhythmogenic right ventricular dysplasia 8 (ARVD8). Also called: Arrhythmogenic Right Ventricular Dysplasia/Cardiomyopathy 8; ARRHYTHMOGENIC RIGHT VENTRICULAR DYSPLASIA, FAMILIAL, 8; ARRHYTHMOGENIC RIGHT VENTRICULAR CARDIOMYOPATHY 8. Identifiers: MedGen C1843896, MONDO:0011831, OMIM 607450.
Arrhythmogenic cardiomyopathy with wooly hair and keratoderma. Also called: PALMOPLANTAR KERATODERMA WITH LEFT VENTRICULAR CARDIOMYOPATHY AND WOOLLY HAIR; Carvajal syndrome; Dilated cardiomyopathy with woolly hair and keratoderma; Arrhythmogenic cardiomyopathy with woolly hair and keratoderma. Identifiers: Orphanet 65282, MedGen C1854063, MONDO:0011581, OMIM 605676.
Cardiomyopathy (CMYO). Also called: Cardiomyopathies. Identifiers: Orphanet 167848, MedGen C0878544, MONDO:0004994, HP:0001638. Inheritance: Various modes of inheritance.

Allele frequency attached by ClinVar (database versions not stated): TOPMed below 0.00001; gnomAD 0.00001.
gnomAD v4.1: 2 of 1,613,976 alleles (0.00012%); highest among the groups gnomAD compares: Admixed American, 0.0017%; no homozygotes.

Submissions (2):

Color Diagnostics, LLC DBA Color Health
Classification: Uncertain significance for Cardiomyopathy. Last evaluated: 2023-12-04. Review status: criteria provided, single submitter. Criteria: ACMG Guidelines, 2015. Collection method: clinical testing. Allele origin: germline.
Comment: Variant of Uncertain Significance due to insufficient evidence: This missense variant is located in the spectrin repeat 7 of the plakin domain of the DSP protein. Computational prediction tools and conservation analyses are inconclusive regarding the impact of this variant on the protein function. Computational splicing tools suggest that this variant may not impact RNA splicing. To our knowledge, functional assays have not been performed for this variant nor has this variant been reported in individuals affected with cardiovascular disorders in the literature. This variant is rare in the general population and has been identified in 0/277264 chromosomes by the Genome Aggregation Database (gnomAD). Available evidence is insufficient to determine the pathogenicity of this variant conclusively.

Labcorp Genetics (formerly Invitae), Labcorp
Classification: Uncertain significance for Arrhythmogenic cardiomyopathy with wooly hair and keratoderma; Arrhythmogenic right ventricular dysplasia 8. Last evaluated: 2023-12-04. Review status: criteria provided, single submitter. Criteria: Invitae Variant Classification Sherloc (09022015). Collection method: clinical testing. Allele origin: germline.
Comment: This sequence change replaces alanine, which is neutral and non-polar, with serine, which is neutral and polar, at codon 720 of the DSP protein (p.Ala720Ser). This variant is not present in population databases (gnomAD no frequency). This variant has not been reported in the literature in individuals affected with DSP-related conditions. ClinVar contains an entry for this variant (Variation ID: 924618). An algorithm developed to predict the effect of missense changes on protein structure and function (PolyPhen-2) suggests that this variant is likely to be tolerated. In summary, the available evidence is currently insufficient to determine the role of this variant in disease. Therefore, it has been classified as a Variant of Uncertain Significance.